The following is an entry in ClinVar:

ClinVar aggregate classification (germline): Uncertain significance (1 of 4 stars; one submission).

Allele frequency attached by ClinVar (database versions not stated): gnomAD 0.00001; TOPMed 0.00001.
gnomAD v4.1: 1 of 1,614,036 alleles (0.000062%); highest among the groups gnomAD compares: African/African-American, 0.0013%; no homozygotes.

Submission:

Labcorp Genetics (formerly Invitae), Labcorp
Classification: Uncertain significance. Last evaluated: 2022-11-01. Review status: criteria provided, single submitter. Criteria: Invitae Variant Classification Sherloc (09022015). Collection method: clinical testing. Allele origin: germline.
Comment: This variant is not present in population databases (gnomAD no frequency). This variant has not been reported in the literature in individuals affected with ERCC6-related conditions. ClinVar contains an entry for this variant (Variation ID: 1491697). Experimental studies and prediction algorithms are not available or were not evaluated, and the functional significance of this variant is currently unknown. In summary, the available evidence is currently insufficient to determine the role of this variant in disease. Therefore, it has been classified as a Variant of Uncertain Significance. This sequence change creates a premature translational stop signal (p.Gln1444*) in the ERCC6 gene. While this is not anticipated to result in nonsense mediated decay, it is expected to disrupt the last 50 amino acid(s) of the ERCC6 protein.

NM_000124.4(ERCC6):c.4330C>T (p.Gln1444Ter)

Gene: ERCC6 (ERCC excision repair 6, chromatin remodeling factor; minus strand). Cytogenetic location: 10q11.23.
Variant type: single nucleotide variant.
Coding change: c.4330C>T on transcript NM_000124.4 (MANE Select); coding-DNA position 4330, C replaced by T.
Protein change: p.Gln1444Ter; replaces glutamine 1444 with a stop codon.
Molecular consequence: nonsense.
Genome position (GRCh38, 1-based): chr10:49,458,967, G>A on the plus strand (C>T on the coding strand, the complement: ERCC6 is on the minus strand). VCF-style: chr10-49458967-G-A. GRCh37 (hg19) VCF-style: chr10-50667013-G-A.
Other names: c.4330C>T, p.Gln1444Ter (NM_001346440.2); short protein forms Q1444*.
Identifiers: ClinVar variation 1491697 (VCV001491697.6), dbSNP rs1338290383, ClinGen allele CA376703231.